The following is an entry in ClinVar:

NM_000059.4(BRCA2):c.993A>C (p.Lys331Asn)

Gene: BRCA2 (BRCA2 DNA repair associated; plus strand). Cytogenetic location: 13q13.1.
Variant type: single nucleotide variant.
Coding change: c.993A>C on transcript NM_000059.4 (MANE Select); coding-DNA position 993, A replaced by C.
Protein change: p.Lys331Asn; replaces lysine 331 with asparagine.
Molecular consequence: missense variant.
Genome position (GRCh38, 1-based): chr13:32,332,471, A>C. VCF-style: chr13-32332471-A-C. GRCh37 (hg19) VCF-style: chr13-32906608-A-C.
Other names: short protein forms K331N.
Identifiers: ClinVar variation 409593 (VCV000409593.10), dbSNP rs1060502486, ClinGen allele CA16613923.

ClinVar aggregate classification (germline): Conflicting classifications of pathogenicity. Review status: criteria provided, conflicting classifications (1 of 4 stars). 3 submissions from 3 submitters: Uncertain significance (2); Likely benign (1). Last evaluated 2023-11-13.

Conditions:
Hereditary breast ovarian cancer syndrome. Also called: Hereditary breast and ovarian cancer; Hereditary breast and/or ovarian cancer syndrome; BRCA1- and BRCA2-Associated Hereditary Breast and Ovarian Cancer; Hereditary breast and ovarian cancer syndrome; Hereditary breast and ovarian cancer syndrome (HBOC); Breast and ovarian cancer. Identifiers: Orphanet 145, MedGen C0677776, MeSH D061325, MONDO:0003582. Disease mechanism: loss of function.
Hereditary cancer-predisposing syndrome. Also called: Tumor predisposition; Hereditary Cancer Syndrome; Hereditary neoplastic syndrome; Neoplastic Syndromes, Hereditary. Identifiers: Orphanet 140162, MedGen C0027672, MeSH D009386, MONDO:0015356.

Submissions (3):

Color Diagnostics, LLC DBA Color Health
Classification: Uncertain significance for Hereditary cancer-predisposing syndrome. Last evaluated: 2023-11-13. Review status: criteria provided, single submitter. Criteria: ACMG Guidelines, 2015. Collection method: clinical testing. Allele origin: germline.
Comment: This missense variant replaces lysine with asparagine at codon 331 of the BRCA2 protein. Computational prediction suggests that this variant may not impact protein structure and function (internally defined REVEL score threshold <= 0.5, PMID: 27666373). To our knowledge, functional studies have not been reported for this variant. This variant has not been reported in individuals affected with BRCA2-related disorders in the literature. This variant has not been identified in the general population by the Genome Aggregation Database (gnomAD). The available evidence is insufficient to determine the role of this variant in disease conclusively. Therefore, this variant is classified as a Variant of Uncertain Significance.

University of Washington Department of Laboratory Medicine, University of Washington
Classification: Likely benign for Hereditary cancer-predisposing syndrome. Last evaluated: 2023-03-23. Review status: criteria provided, single submitter. Criteria: Dines et al. (Genet Med. 2020). Collection method: curation. Allele origin: germline.
Comment: Missense variant in a coldspot region where missense variants are very unlikely to be pathogenic (PMID:31911673).

BRCA2 exon 10 coldspot. Reclassification based on statistical prior probability.

Labcorp Genetics (formerly Invitae), Labcorp
Classification: Uncertain significance for Hereditary breast ovarian cancer syndrome. Last evaluated: 2021-11-05. Review status: criteria provided, single submitter. Criteria: Invitae Variant Classification Sherloc (09022015). Collection method: clinical testing. Allele origin: germline.
Comment: This sequence change replaces lysine, which is basic and polar, with asparagine, which is neutral and polar, at codon 331 of the BRCA2 protein (p.Lys331Asn). This variant is not present in population databases (gnomAD no frequency). This variant has not been reported in the literature in individuals affected with BRCA2-related conditions. ClinVar contains an entry for this variant (Variation ID: 409593). Advanced modeling of protein sequence and biophysical properties (such as structural, functional, and spatial information, amino acid conservation, physicochemical variation, residue mobility, and thermodynamic stability) performed at Invitae indicates that this missense variant is not expected to disrupt BRCA2 protein function. In summary, the available evidence is currently insufficient to determine the role of this variant in disease. Therefore, it has been classified as a Variant of Uncertain Significance.